The following is an entry in ClinVar:

NM_001849.4(COL6A2):c.1838C>T (p.Ala613Val)

Gene: COL6A2 (collagen type VI alpha 2 chain; plus strand). Cytogenetic location: 21q22.3.
Variant type: single nucleotide variant.
Coding change: c.1838C>T on transcript NM_001849.4 (MANE Select); coding-DNA position 1838, C replaced by T.
Protein change: p.Ala613Val; replaces alanine 613 with valine.
Molecular consequence: missense variant.
Genome position (GRCh38, 1-based): chr21:46,125,486, C>T. VCF-style: chr21-46125486-C-T. GRCh37 (hg19) VCF-style: chr21-47545400-C-T.
Other names: c.1838C>T, p.Ala613Val (NM_058174.3, NM_058175.3); short protein forms A613V.
Identifiers: ClinVar variation 3901751 (VCV003901751.1).
Genomic context (GRCh38, chr21:46,125,486, plus strand): 5'-TCTCCCCGGTACCCCCCGATGACCCTGCCACCCCCCCAGACTGTGAGAAGCGCTGTGGCG[C>T]CCTGGACGTGGTCTTCGTCATCGACAGCTCCGAGAGCATTGGGTACACCAACTTCACACT-3'
Protein context (NP_001840.3, residues 603-623): GCCDCEKRCG[Ala613Val]LDVVFVIDSS

ClinVar aggregate classification (germline): Uncertain significance (1 of 4 stars; one submission).

gnomAD v4.1: 5 of 1,612,758 alleles (0.00031%); highest among the groups gnomAD compares: African/African-American, 0.0027%; no homozygotes.

Submission:

GeneDx
Classification: Uncertain significance. Last evaluated: 2024-12-06. Review status: criteria provided, single submitter. Criteria: GeneDx Variant Classification Process June 2021. Collection method: clinical testing. Allele origin: germline. Affected: yes.
Comment: Not observed at significant frequency in large population cohorts (gnomAD); In silico analysis indicates that this missense variant does not alter protein structure/function; Has not been previously published as pathogenic or benign to our knowledge